The following is an entry in ClinVar:

NM_007118.4(TRIO):c.8641G>A (p.Val2881Met)

Gene: TRIO (trio Rho guanine nucleotide exchange factor; plus strand). Cytogenetic location: 5p15.2.
Variant type: single nucleotide variant.
Coding change: c.8641G>A on transcript NM_007118.4 (MANE Select); coding-DNA position 8641, G replaced by A.
Protein change: p.Val2881Met; replaces valine 2881 with methionine.
Molecular consequence: missense variant. On other transcripts: non-coding transcript variant (1).
Genome position (GRCh38, 1-based): chr5:14,507,150, G>A. VCF-style: chr5-14507150-G-A. GRCh37 (hg19) VCF-style: chr5-14507259-G-A.
Other names: short protein forms V2881M.
Identifiers: ClinVar variation 1707098 (VCV001707098.2), dbSNP rs770882597, ClinGen allele CA3207940.

ClinVar aggregate classification (germline): Uncertain significance (1 of 4 stars; one submission).

Allele frequency attached by ClinVar (database versions not stated): ExAC 0.00001; TOPMed 0.00001; gnomAD 0.00002.
gnomAD v4.1: 17 of 1,611,182 alleles (0.0011%); highest among the groups gnomAD compares: African/African-American, 0.0027%; no homozygotes.

Submission:

GeneDx
Classification: Uncertain significance. Last evaluated: 2022-03-25. Review status: criteria provided, single submitter. Criteria: GeneDx Variant Classification Process June 2021. Collection method: clinical testing. Allele origin: germline. Affected: yes.
Comment: In silico analysis supports that this missense variant does not alter protein structure/function; Has not been previously published as pathogenic or benign to our knowledge